The following is an entry in ClinVar:

ClinVar aggregate classification (germline): Uncertain significance (1 of 4 stars; one submission).

Submission:

GeneDx
Classification: Uncertain significance. Last evaluated: 2019-10-15. Review status: criteria provided, single submitter. Criteria: GeneDx Variant Classification Process June 2021. Collection method: clinical testing. Allele origin: germline. Affected: yes.
Comment: Not observed in large population cohorts (Lek et al., 2016); In silico analysis, which includes protein predictors and evolutionary conservation, supports that this variant does not alter protein structure/function; Has not been previously published as pathogenic or benign to our knowledge

NM_001205254.2(OCLN):c.712G>A (p.Val238Ile)

Gene: OCLN (occludin; plus strand). Cytogenetic location: 5q13.2.
Variant type: single nucleotide variant.
Coding change: c.712G>A on transcript NM_001205254.2 (MANE Select); coding-DNA position 712, G replaced by A.
Protein change: p.Val238Ile; replaces valine 238 with isoleucine.
Molecular consequence: missense variant. On other transcripts: intron variant (1).
Genome position (GRCh38, 1-based): chr5:69,509,802, G>A. VCF-style: chr5-69509802-G-A. GRCh37 (hg19) VCF-style: chr5-68805629-G-A.
Other names: c.712G>A, p.Val238Ile (NM_001410743.1, NM_001438048.1, NM_001438604.1 and 1 more transcripts); c.-24-4146G>A (NM_001205255.2); short protein forms V238I.
Identifiers: ClinVar variation 1309206 (VCV001309206.2), dbSNP rs2111976750, ClinGen allele CA360077781.